The following is an entry in ClinVar:

ClinVar aggregate classification (germline): Likely pathogenic (1 of 4 stars; one submission).

Conditions:
Cardiomyopathy (CMYO). Also called: Cardiomyopathies. Identifiers: Orphanet 167848, MedGen C0878544, MONDO:0004994, HP:0001638. Inheritance: Various modes of inheritance.

Allele frequency attached by ClinVar (database versions not stated): TOPMed below 0.00001.

Submission:

Laboratory for Molecular Medicine, Mass General Brigham Personalized Medicine
Classification: Likely pathogenic for Cardiomyopathy. Last evaluated: 2019-02-15. Review status: criteria provided, single submitter. Criteria: ACMG Guidelines, 2015. Collection method: clinical testing. Allele origin: germline. Inheritance: Autosomal recessive inheritance.
Comment: The p.Glu1116X variant in MYH7 has not been previously reported in individuals with hypertrophic cardiomyopathy (HCM) and was absent from large population studies. This nonsense variant leads to a premature termination codon at position 1116, which is predicted to lead to a truncated or absent protein. Although heterozygous loss-of-function (LOF) variants in MYH7, such as this variant, are not believed to be pathogenic for dominant forms of cardiomyopathy, there is evidence that can they lead to severe and early onset disease when present in trans with a second MYH7 variant (LMM data). In summary, although additional studies are required to fully establish its clinical significance, the p.Glu1116X variant is likely pathogenic. ACMG/AMP Criteria applied: PVS1, PM2.

NM_000257.4(MYH7):c.3346G>T (p.Glu1116Ter)

Gene: MYH7 (myosin heavy chain 7; minus strand). Cytogenetic location: 14q11.2.
Variant type: single nucleotide variant.
Coding change: c.3346G>T on transcript NM_000257.4 (MANE Select); coding-DNA position 3346, G replaced by T.
Protein change: p.Glu1116Ter; replaces glutamic acid 1116 with a stop codon.
Molecular consequence: nonsense.
Genome position (GRCh38, 1-based): chr14:23,420,225, C>A on the plus strand (G>T on the coding strand, the complement: MYH7 is on the minus strand). VCF-style: chr14-23420225-C-A. GRCh37 (hg19) VCF-style: chr14-23889434-C-A.
Other names: c.3346G>T, p.Glu1116Ter (NM_001407004.1); short protein forms E1116*.
Identifiers: ClinVar variation 3075740 (VCV003075740.1), dbSNP rs727504274, ClinGen allele CA389044197.
Genomic context (GRCh38, chr14:23,420,225, plus strand): 5'-GCAGCTTCTCCACCTTAGCCCTGGCGGTGCGCTCGGCCTCCAGCTCCTCCTCCAGCTCCT[C>A]GATGCGTGCCTGGTCAGACACAAAGGGCTCAGACCCACCGCCTGGACCCCTCCACTGGAA-3'